The following is an entry in ClinVar:

ClinVar aggregate classification (germline): Conflicting classifications of pathogenicity. Review status: criteria provided, conflicting classifications (1 of 4 stars). 2 submissions from 2 submitters: Uncertain significance (1); Likely benign (1). Last evaluated 2025-05-13.

Allele frequency attached by ClinVar (database versions not stated): ESP Exome Variant Server 0.00015; ExAC 0.00017; gnomAD 0.00017 and 0.00018; gnomAD exomes 0.00013 and 0.00014; TOPMed 0.00015.
gnomAD v4.1: 211 of 1,613,782 alleles (0.013%); highest among the groups gnomAD compares: Non-Finnish European, 0.016%; no homozygotes.

Submissions (2):

GeneDx
Classification: Uncertain significance. Last evaluated: 2025-05-13. Review status: criteria provided, single submitter. Criteria: GeneDx Variant Classification Process June 2021. Collection method: clinical testing. Allele origin: germline. Affected: yes.
Comment: In silico analysis supports that this missense variant has a deleterious effect on protein structure/function; Has not been previously reported as a pathogenic or benign germline variant to our knowledge; This variant is associated with the following publications: (PMID: 31681433, 36387175)

Women's Health and Genetics/Laboratory Corporation of America, LabCorp
Classification: Likely benign. Last evaluated: 2016-05-10. Review status: criteria provided, single submitter. Criteria: LabCorp Variant Classification Summary - May 2015. Collection method: clinical testing. Allele origin: germline.
Comment: Variant summary: The LIG3 c.1835A>T (p.Glu612Val) variant involves the alteration of a conserved nucleotide. 3/4 in silico tools predict a damaging outcome. This variant was found in 21/121392 control chromosomes, predominantly observed in the European (Non-Finnish) subpopulation at a frequency of 0.0003147 (21/66732). This frequency is about 31 times the estimated maximal expected allele frequency of a pathogenic LIG3 variant (0.00001), suggesting this is likely a benign polymorphism found primarily in the populations of European (Non-Finnish) origin. The variant of interest has not, to our knowledge, been reported in affected individuals via publications and/or reputable databases/clinical diagnostic laboratories, nor evaluated for functional impact by in vivo/vitro studies. Taken together, this variant is classified as likely benign.

NM_013975.4(LIG3):c.1835A>T (p.Glu612Val)

Gene: LIG3 (DNA ligase 3; plus strand). Cytogenetic location: 17q12.
Variant type: single nucleotide variant.
Coding change: c.1835A>T on transcript NM_013975.4 (MANE Select); coding-DNA position 1835, A replaced by T.
Protein change: p.Glu612Val; replaces glutamic acid 612 with valine.
Molecular consequence: missense variant.
Genome position (GRCh38, 1-based): chr17:34,997,749, A>T. VCF-style: chr17-34997749-A-T. GRCh37 (hg19) VCF-style: chr17-33324768-A-T.
Other names: c.1835A>T, p.Glu612Val (NM_002311.5); short protein forms E612V.
Identifiers: ClinVar variation 496414 (VCV000496414.2), dbSNP rs201705066, ClinGen allele CA8498466.
Genomic context (GRCh38, chr17:34,997,749, plus strand): 5'-TAAGGGAGGGAGGATCCCGGCCTAACCTCAGCTCTCCTGTTCTCCTCAGACCTCTGTGTG[A>T]GCGGCGGAAGTTTCTTCATGACAACATGGTTGAAATTCCAAACCGGATCATGTTCTCAGA-3'
Protein context (NP_039269.2, residues 602-622): DVSLMDRPLC[Glu612Val]RRKFLHDNMV